The following is an entry in ClinVar:

NM_032043.3(BRIP1):c.1474-20A>C

Gene: BRIP1 (BRCA1 interacting DNA helicase 1; minus strand). Cytogenetic location: 17q23.2.
Variant type: single nucleotide variant.
Coding change: c.1474-20A>C on transcript NM_032043.3 (MANE Select); 20 bases into the intron before coding-DNA position 1474, A replaced by C.
Molecular consequence: intron variant.
Genome position (GRCh38, 1-based): chr17:61,784,444, T>G on the plus strand (A>C on the coding strand, the complement: BRIP1 is on the minus strand). VCF-style: chr17-61784444-T-G. GRCh37 (hg19) VCF-style: chr17-59861805-T-G.
Identifiers: ClinVar variation 2202600 (VCV002202600.5), dbSNP rs1462969643, ClinGen allele CA773810434.

ClinVar aggregate classification (germline): Likely benign. Review status: criteria provided, multiple submitters, no conflicts (2 of 4 stars). 2 submissions from 2 submitters: Likely benign (2). Last evaluated 2025-04-13.

Conditions:
Fanconi anemia complementation group J. Also called: BRIP1-Related Fanconi Anemia. Identifiers: Orphanet 84, MedGen C1836860, MONDO:0012187, OMIM 609054.
Familial cancer of breast. Also called: hereditary breast carcinoma; Hereditary breast cancer; BREAST CANCER, FAMILIAL. Identifiers: Orphanet 227535, MedGen C0346153, MONDO:0016419, OMIM 114480. Disease mechanism: loss of function.

Allele frequency attached by ClinVar (database versions not stated): TOPMed below 0.00001; gnomAD 0.00001.
gnomAD v4.1: 1 of 1,605,530 alleles (0.000062%); highest among the groups gnomAD compares: African/African-American, 0.0013%; no homozygotes.

Submissions (2):

Labcorp Genetics (formerly Invitae), Labcorp
Classification: Likely benign for Familial cancer of breast; Fanconi anemia complementation group J. Last evaluated: 2025-04-13. Review status: criteria provided, single submitter. Criteria: Invitae Variant Classification Sherloc (09022015). Collection method: clinical testing. Allele origin: germline.

Myriad Genetics, Inc.
Classification: Likely benign for Familial cancer of breast. Last evaluated: 2024-08-28. Review status: criteria provided, single submitter. Criteria: Myriad Autosomal Dominant, Autosomal Recessive and X-Linked Classification Criteria (2023). Collection method: clinical testing. Allele origin: unknown.
Comment: This variant is considered likely benign. This variant is intronic and is not expected to impact mRNA splicing.